The following is an entry in ClinVar:

NM_139343.3(BIN1):c.155A>G (p.Asn52Ser)

Gene: BIN1 (bridging integrator 1; minus strand). Cytogenetic location: 2q14.3.
Variant type: single nucleotide variant.
Coding change: c.155A>G on transcript NM_139343.3 (MANE Select); coding-DNA position 155, A replaced by G.
Protein change: p.Asn52Ser; replaces asparagine 52 with serine.
Molecular consequence: missense variant.
Genome position (GRCh38, 1-based): chr2:127,076,636, T>C on the plus strand (A>G on the coding strand, the complement: BIN1 is on the minus strand). VCF-style: chr2-127076636-T-C. GRCh37 (hg19) VCF-style: chr2-127834212-T-C.
Other names: c.155A>G, p.Asn52Ser (NM_001320632.2, NM_001320633.2, NM_001320640.2 and 10 more transcripts); c.83A>G, p.Asn28Ser (NM_001320634.1); c.74A>G, p.Asn25Ser (NM_001320642.1); short protein forms N25S, N28S, N52S.
Identifiers: ClinVar variation 1479777 (VCV001479777.6), dbSNP rs369549551, ClinGen allele CA1857584.
Genomic context (GRCh38, chr2:127,076,636, plus strand): 5'-GCAGCCGAATTTTCACAAACTCCCTAAGGCCAAGGGCCACCCACACTCACCAGCTGCTTG[T>C]TGAAATTCTGGACGCACTGCTCAAACTGCTCATCCTTGGTCTCATCTGCCTTCCCCAGCT-3'
Protein context (NP_647593.1, residues 42-62): EQFEQCVQNF[Asn52Ser]KQLTEGTRLQ

ClinVar aggregate classification (germline): Uncertain significance (1 of 4 stars; one submission).

Conditions:
Myopathy, centronuclear, 2 (CNM2). Also called: MYOTUBULAR MYOPATHY, AUTOSOMAL RECESSIVE. Identifiers: Orphanet 169186, MedGen CN031787, MONDO:0009709, OMIM 255200.

Allele frequency attached by ClinVar (database versions not stated): gnomAD exomes 0.00001; ExAC 0.00001; gnomAD 0.00001.

Submission:

Labcorp Genetics (formerly Invitae), Labcorp
Classification: Uncertain significance for Myopathy, centronuclear, 2. Last evaluated: 2025-07-31. Review status: criteria provided, single submitter. Criteria: Invitae Variant Classification Sherloc (09022015). Collection method: clinical testing. Allele origin: germline.
Comment: This sequence change replaces asparagine, which is neutral and polar, with serine, which is neutral and polar, at codon 52 of the BIN1 protein (p.Asn52Ser). This variant is present in population databases (rs369549551, gnomAD 0.007%). This variant has not been reported in the literature in individuals affected with BIN1-related conditions. ClinVar contains an entry for this variant (Variation ID: 1479777). Invitae Evidence Modeling of protein sequence and biophysical properties (such as structural, functional, and spatial information, amino acid conservation, physicochemical variation, residue mobility, and thermodynamic stability) indicates that this missense variant is not expected to disrupt BIN1 protein function with a negative predictive value of 80%. In summary, the available evidence is currently insufficient to determine the role of this variant in disease. Therefore, it has been classified as a Variant of Uncertain Significance.